The following is an entry in ClinVar:

ClinVar aggregate classification (germline): Uncertain significance. Review status: criteria provided, multiple submitters, no conflicts (2 of 4 stars). 2 submissions from 2 submitters: Uncertain significance (2). Last evaluated 2024-11-18.

Conditions:
Mosaic variegated aneuploidy syndrome 2 (MVA2). Identifiers: Orphanet 1052, MedGen C3279843, MONDO:0013582, OMIM 614114.
Inborn genetic diseases. Identifiers: MedGen C0950123, MeSH D030342.

Submissions (2):

Ambry Genetics
Classification: Uncertain significance for Inborn genetic diseases. Last evaluated: 2024-11-18. Review status: criteria provided, single submitter. Criteria: Ambry Variant Classification Scheme 2023. Collection method: clinical testing. Allele origin: germline.
Comment: The p.K262Q variant (also known as c.784A>C), located in coding exon 7 of the CEP57 gene, results from an A to C substitution at nucleotide position 784. The lysine at codon 262 is replaced by glutamine, an amino acid with similar properties. This amino acid position is conserved. In addition, this alteration is predicted to be tolerated by in silico analysis. Based on the available evidence, the clinical significance of this variant remains unclear.

Labcorp Genetics (formerly Invitae), Labcorp
Classification: Uncertain significance for Mosaic variegated aneuploidy syndrome 2. Last evaluated: 2024-03-06. Review status: criteria provided, single submitter. Criteria: Invitae Variant Classification Sherloc (09022015). Collection method: clinical testing. Allele origin: germline.
Comment: This sequence change replaces lysine, which is basic and polar, with glutamine, which is neutral and polar, at codon 262 of the CEP57 protein (p.Lys262Gln). This variant is not present in population databases (gnomAD no frequency). This variant has not been reported in the literature in individuals affected with CEP57-related conditions. Advanced modeling of protein sequence and biophysical properties (such as structural, functional, and spatial information, amino acid conservation, physicochemical variation, residue mobility, and thermodynamic stability) performed at Invitae indicates that this missense variant is not expected to disrupt CEP57 protein function with a negative predictive value of 80%. In summary, the available evidence is currently insufficient to determine the role of this variant in disease. Therefore, it has been classified as a Variant of Uncertain Significance.

NM_014679.5(CEP57):c.784A>C (p.Lys262Gln)

Gene: CEP57 (centrosomal protein 57; plus strand). Cytogenetic location: 11q21.
Variant type: single nucleotide variant.
Coding change: c.784A>C on transcript NM_014679.5 (MANE Select); coding-DNA position 784, A replaced by C.
Protein change: p.Lys262Gln; replaces lysine 262 with glutamine.
Molecular consequence: missense variant.
Genome position (GRCh38, 1-based): chr11:95,821,955, A>C. VCF-style: chr11-95821955-A-C. GRCh37 (hg19) VCF-style: chr11-95555119-A-C.
Other names: c.784A>C (NM_014679.4); c.757A>C, p.Lys253Gln (NM_001243776.2); c.784A>C, p.Lys262Gln (NM_001243777.2); c.703A>C, p.Lys235Gln (NM_001363604.2); short protein forms K262Q, K235Q, K253Q.
Identifiers: ClinVar variation 2891537 (VCV002891537.4), dbSNP rs2496284664, ClinGen allele CA382405339.